The following is an entry in ClinVar:

NM_000435.3(NOTCH3):c.2204G>A (p.Arg735Gln)

Gene: NOTCH3 (notch receptor 3; minus strand). Cytogenetic location: 19p13.12.
Variant type: single nucleotide variant.
Coding change: c.2204G>A on transcript NM_000435.3 (MANE Select); coding-DNA position 2204, G replaced by A.
Protein change: p.Arg735Gln; replaces arginine 735 with glutamine.
Molecular consequence: missense variant.
Genome position (GRCh38, 1-based): chr19:15,185,349, C>T on the plus strand (G>A on the coding strand, the complement: NOTCH3 is on the minus strand). VCF-style: chr19-15185349-C-T. GRCh37 (hg19) VCF-style: chr19-15296160-C-T.
Other names: short protein forms R735Q.
Identifiers: ClinVar variation 4537327 (VCV004537327.1).

ClinVar aggregate classification (germline): Uncertain significance (1 of 4 stars; one submission).

gnomAD v4.1: 25 of 1,612,400 alleles (0.0016%); highest among the groups gnomAD compares: Admixed American, 0.012%; no homozygotes.

Submission:

Women's Health and Genetics/Laboratory Corporation of America, LabCorp
Classification: Uncertain significance. Last evaluated: 2025-11-18. Review status: criteria provided, single submitter. Criteria: LabCorp Variant Classification Summary - May 2015. Collection method: clinical testing. Allele origin: germline.
Comment: Variant summary: NOTCH3 c.2204G>A (p.Arg735Gln) results in a conservative amino acid change in the encoded protein sequence. Algorithms developed to predict the effect of missense changes on protein structure and function all suggest that this variant is likely to be tolerated. The variant allele was found at a frequency of 3.7e-05 in 245620 control chromosomes. The available data on variant occurrences in the general population are insufficient to allow any conclusion about variant significance. To our knowledge, no occurrence of c.2204G>A in individuals affected with NOTCH3-related conditions and no experimental evidence demonstrating its impact on protein function have been reported. No submitters have cited clinical-significance assessments for this variant to ClinVar. Based on the evidence outlined above, the variant was classified as uncertain significance.